The following is an entry in ClinVar:

NM_198488.5(FAM83H):c.1152C>G (p.Ala384=)

Gene: FAM83H (family with sequence similarity 83 member H; minus strand). Cytogenetic location: 8q24.3.
Variant type: single nucleotide variant.
Coding change: c.1152C>G on transcript NM_198488.5 (MANE Select); coding-DNA position 1152, C replaced by G.
Protein change: p.Ala384=; no amino-acid change (alanine 384 retained).
Molecular consequence: synonymous variant.
Genome position (GRCh38, 1-based): chr8:143,728,309, G>C on the plus strand (C>G on the coding strand, the complement: FAM83H is on the minus strand). VCF-style: chr8-143728309-G-C. GRCh37 (hg19) VCF-style: chr8-144810479-G-C.
Identifiers: ClinVar variation 3043433 (VCV003043433.2), dbSNP rs782024352, ClinGen allele CA4917514.

ClinVar aggregate classification (germline): Likely benign (0 of 4 stars; one submission).

Conditions:
FAM83H-related disorder. Also called: FAM83H-related condition.

Allele frequency attached by ClinVar (database versions not stated): 1000 Genomes Project 30x 0.00016; ExAC 0.00164.
gnomAD v4.1: 236 of 1,439,404 alleles (0.016%); highest among the groups gnomAD compares: South Asian, 0.19%; no homozygotes.

Submission:

PreventionGenetics, part of Exact Sciences
Classification: Likely benign for FAM83H-related condition. Last evaluated: 2019-07-03. Review status: no assertion criteria provided. Collection method: clinical testing. Allele origin: germline.
Comment: This variant is classified as likely benign based on ACMG/AMP sequence variant interpretation guidelines (Richards et al. 2015 PMID: 25741868, with internal and published modifications).